The following is an entry in ClinVar:

ClinVar aggregate classification (germline): Uncertain significance. Review status: criteria provided, multiple submitters, no conflicts (2 of 4 stars). 5 submissions from 5 submitters: Uncertain significance (4). 1 of the submissions does not count toward it. Last evaluated 2025-09-26.

Conditions:
Inborn genetic diseases. Identifiers: MedGen C0950123, MeSH D030342.
Charcot-Marie-Tooth disease type 4. Also called: Charcot-Marie-Tooth disease, type IV; Charcot-Marie-Tooth, Type 4. Identifiers: Orphanet 64749, MedGen C4082197, MONDO:0018995.

Allele frequency attached by ClinVar (database versions not stated): gnomAD exomes below 0.00001; TOPMed below 0.00001; gnomAD 0.00001.
gnomAD v4.1: 7 of 1,595,836 alleles (0.00044%); highest among the groups gnomAD compares: African/African-American, 0.0013%; no homozygotes.

Submissions (5):

Ambry Genetics
Classification: Uncertain significance for Inborn genetic diseases. Last evaluated: 2025-09-26. Review status: criteria provided, single submitter. Criteria: Ambry Variant Classification Scheme 2023. Collection method: clinical testing. Allele origin: germline.

Labcorp Genetics (formerly Invitae), Labcorp
Classification: Uncertain significance for Charcot-Marie-Tooth disease type 4. Last evaluated: 2022-01-06. Review status: criteria provided, single submitter. Criteria: Invitae Variant Classification Sherloc (09022015). Collection method: clinical testing. Allele origin: germline.
Comment: This sequence change replaces arginine, which is basic and polar, with histidine, which is basic and polar, at codon 341 of the NDRG1 protein (p.Arg341His). The frequency data for this variant in the population databases is considered unreliable, as metrics indicate poor data quality at this position in the gnomAD database. This variant has not been reported in the literature in individuals affected with NDRG1-related conditions. ClinVar contains an entry for this variant (Variation ID: 452561). Algorithms developed to predict the effect of missense changes on protein structure and function are either unavailable or do not agree on the potential impact of this missense change (SIFT: "Deleterious"; PolyPhen-2: "Probably Damaging"; Align-GVGD: "Class C0"). In summary, the available evidence is currently insufficient to determine the role of this variant in disease. Therefore, it has been classified as a Variant of Uncertain Significance.

CeGaT Center for Human Genetics Tuebingen
Classification: Uncertain significance. Last evaluated: 2019-01-01. Review status: criteria provided, single submitter. Criteria: CeGaT Center For Human Genetics Tuebingen Variant Classification Criteria Version 2. Collection method: clinical testing. Allele origin: germline. Affected: yes. Observed: 1 variant allele.

GeneDx
Classification: Uncertain significance. Last evaluated: 2017-10-04. Review status: criteria provided, single submitter. Criteria: GeneDx Variant Classification (06012015). Collection method: clinical testing. Allele origin: germline. Affected: yes.
Comment: The R341H variant has not been published as a pathogenic variant, nor has it been reported as a benign variant to our knowledge. The R341H variant is not observed in large population cohorts (Lek et al., 2016). This substitution occurs at a position that is conserved across species. In silico analysis predicts this variant is probably damaging to the protein structure/function. However, the R341H variant is a conservative amino acid substitution, which is not likely to impact secondary protein structure as these residues share similar properties. Therefore, based on the currently available information, it is unclear whether this variant is a pathogenic variant or a rare benign variant.

Natera, Inc.
Classification: Uncertain significance for Charcot-Marie-Tooth disease type 4. Last evaluated: 2020-09-04. Review status: no assertion criteria provided. Collection method: clinical testing. Allele origin: germline. Not counted in ClinVar's aggregate classification.

NM_006096.4(NDRG1):c.1022G>A (p.Arg341His)

Gene: NDRG1 (N-myc downstream regulated 1; minus strand). Cytogenetic location: 8q24.22.
Variant type: single nucleotide variant.
Coding change: c.1022G>A on transcript NM_006096.4 (MANE Select); coding-DNA position 1022, G replaced by A.
Protein change: p.Arg341His; replaces arginine 341 with histidine.
Molecular consequence: missense variant.
Genome position (GRCh38, 1-based): chr8:133,239,041, C>T on the plus strand (G>A on the coding strand, the complement: NDRG1 is on the minus strand). VCF-style: chr8-133239041-C-T. GRCh37 (hg19) VCF-style: chr8-134251284-C-T.
Other names: c.1022G>A, p.Arg341His (NM_001135242.2, NM_001374845.1, NM_001374846.1); c.824G>A, p.Arg275His (NM_001258432.2, NM_001374847.1); c.779G>A, p.Arg260His (NM_001258433.2); c.1073G>A, p.Arg358His (NM_001374844.1); short protein forms R341H, R260H, R275H, R358H.
Identifiers: ClinVar variation 452561 (VCV000452561.51), dbSNP rs1392179290, ClinGen allele CA372254510.